The following is an entry in ClinVar:

ClinVar aggregate classification (germline): Likely pathogenic (1 of 4 stars; one submission).

Conditions:
Dystonia 12 (DYT12). Also called: DYT-ATP1A3; Rapid-Onset Dystonia-Parkinsonism (RDP). Identifiers: Orphanet 71517, MedGen C1868681, MONDO:0007496, OMIM 128235.

Submission:

Centre of Medical Genetics, University Hospital Muenster
Classification: Likely pathogenic for Dystonia 12. Last evaluated: 2022-02-11. Review status: criteria provided, single submitter. Criteria: ACMG Guidelines, 2015. Collection method: clinical testing. Allele origin: germline. Affected: yes. Observed: 1 variant allele, 1 heterozygote.
Comment: ACMG categories: PVS1,PS5

NM_152296.5(ATP1A3):c.2631dup (p.Leu878fs)

Gene: ATP1A3 (ATPase Na+/K+ transporting subunit alpha 3; minus strand). Cytogenetic location: 19q13.2.
Variant type: Duplication.
Coding change: c.2631dup on transcript NM_152296.5 (MANE Select); coding-DNA position 2631, one base duplicated (G; older notation c.2631dupG).
Protein change: p.Leu878fs; shifts the reading frame from leucine 878.
Molecular consequence: frameshift variant.
Genome position (GRCh38, 1-based): chr19:41,969,492, C duplicated on the plus strand (G on the coding strand, the reverse complement: ATP1A3 is on the minus strand); the first of 2 consecutive C bases (chr19:41,969,492-41,969,493); duplicating either gives the same sequence. VCF-style (leftmost placement, unchanged base first): chr19-41969491-G-GC. GRCh37 (hg19) VCF-style: chr19-42473643-G-GC.
Other names: c.2664dup, p.Leu889fs (NM_001256213.2); c.2670dup, p.Leu891fs (NM_001256214.2); short protein forms L878fs, L889fs, L891fs.
Identifiers: ClinVar variation 1342156 (VCV001342156.3), dbSNP rs2145945887, ClinGen allele CA2573054778.